The following is an entry in ClinVar:

ClinVar aggregate classification (germline): Benign/Likely benign. Review status: criteria provided, multiple submitters, no conflicts (2 of 4 stars). 9 submissions from 9 submitters: Benign (6); Likely benign (1). 2 of the submissions do not count toward it. Last evaluated 2026-02-03.

Conditions:
Arthrogryposis, renal dysfunction, and cholestasis 1 (ARCS1). Identifiers: Orphanet 2697, MedGen C1859722, MONDO:0008822, OMIM 208085.

Allele frequency attached by ClinVar (database versions not stated): gnomAD exomes 0.08516; ExAC 0.08883; 1000 Genomes Project 0.09125; 1000 Genomes Project 30x 0.09166; TOPMed 0.09338; gnomAD 0.09363 and 0.09422; ESP Exome Variant Server 0.09891.

Submissions (9):

Labcorp Genetics (formerly Invitae), Labcorp
Classification: Benign. Last evaluated: 2026-02-03. Review status: criteria provided, single submitter. Criteria: Invitae Variant Classification Sherloc (09022015). Collection method: clinical testing. Allele origin: germline.

Blueprint Genetics
Classification: Likely benign. Last evaluated: 2024-11-27. Review status: criteria provided, single submitter. Criteria: ACMG Guidelines, 2015. Collection method: clinical testing. Allele origin: germline.

Mayo Clinic Laboratories, Mayo Clinic
Classification: Benign. Last evaluated: 2022-09-29. Review status: criteria provided, single submitter. Criteria: ACMG Guidelines, 2015. Collection method: clinical testing. Allele origin: germline. Observed: 186 variant alleles.

GeneDx
Classification: Benign. Last evaluated: 2019-10-21. Review status: criteria provided, single submitter. Criteria: GeneDx Variant Classification Process June 2021. Collection method: clinical testing. Allele origin: germline. Affected: yes.

Illumina Laboratory Services, Illumina
Classification: Benign for Arthrogryposis, renal dysfunction, and cholestasis 1. Last evaluated: 2018-03-06. Review status: criteria provided, single submitter. Criteria: ICSL Variant Classification Criteria 13 December 2019. Collection method: clinical testing. Allele origin: germline.
Comment: This variant was observed in the ICSL laboratory as part of a predisposition screen in an ostensibly healthy population. It had not been previously curated by ICSL or reported in the Human Gene Mutation Database (HGMD: prior to June 1st, 2018), and was therefore a candidate for classification through an automated scoring system. Utilizing variant allele frequency, disease prevalence and penetrance estimates, and inheritance mode, an automated score was calculated to assess if this variant is too frequent to cause the disease. Based on the score and internal cut-off values, a variant classified as benign is not then subjected to further curation. The score for this variant resulted in a classification of benign for this disease.

Breakthrough Genomics
Classification: Benign. Review status: criteria provided, single submitter. Criteria: ACMG Guidelines, 2015. Collection method: not provided. Allele origin: germline. Inheritance: Autosomal recessive inheritance. Affected: yes.

PreventionGenetics, part of Exact Sciences
Classification: Benign. Review status: criteria provided, single submitter. Criteria: ACMG Guidelines, 2015. Collection method: clinical testing. Allele origin: germline.

Diagnostic Laboratory, Department of Genetics, University Medical Center Groningen
Classification: Likely benign. Review status: no assertion criteria provided. Collection method: clinical testing. Allele origin: germline. Affected: yes. Study: VKGL Data-share Consensus. Not counted in ClinVar's aggregate classification.

Genome Diagnostics Laboratory, University Medical Center Utrecht
Classification: Benign. Review status: no assertion criteria provided. Collection method: clinical testing. Allele origin: germline. Affected: yes. Study: VKGL Data-share Consensus. Not counted in ClinVar's aggregate classification.

NM_018668.5(VPS33B):c.151C>A (p.Arg51=)

Gene: VPS33B (VPS33B late endosome and lysosome associated; minus strand). Cytogenetic location: 15q26.1.
Variant type: single nucleotide variant.
Coding change: c.151C>A on transcript NM_018668.5 (MANE Select); coding-DNA position 151, C replaced by A.
Protein change: p.Arg51=; no amino-acid change (arginine 51 retained).
Molecular consequence: synonymous variant. On other transcripts: 5 prime UTR variant (1), intron variant (1).
Genome position (GRCh38, 1-based): chr15:91,017,831, G>T on the plus strand (C>A on the coding strand, the complement: VPS33B is on the minus strand). VCF-style: chr15-91017831-G-T. GRCh37 (hg19) VCF-style: chr15-91561061-G-T.
Other names: p.Arg51=; c.151C>A (NM_018668.4); c.-61C>A (NM_001289149.1); c.97-807C>A (NM_001289148.1).
Identifiers: ClinVar variation 261040 (VCV000261040.20), dbSNP rs11542638, ClinGen allele CA7745208.
Genomic context (GRCh38, chr15:91,017,831, plus strand): 5'-GAGGGGCATGGCCCCCAGGGGAAAGGGACAGTACCTTCAGGATGGAGACATTGGCAATTC[G>T]ATCCAAAGGGCTCATGAGATCTGCCTCAATGAATAAATCCTTTTTTCCAGGAAGCTGAAG-3'
Protein context (NP_061138.3, residues 41-61): IEADLMSPLD[Arg51=]IANVSILKQH